The following is an entry in ClinVar:

NM_001378120.1(MBD5):c.1319C>G (p.Thr440Arg)

Gene: MBD5 (methyl-CpG binding domain protein 5; plus strand). Cytogenetic location: 2q23.1.
Variant type: single nucleotide variant.
Coding change: c.1319C>G on transcript NM_001378120.1 (MANE Select); coding-DNA position 1319, C replaced by G.
Protein change: p.Thr440Arg; replaces threonine 440 with arginine.
Molecular consequence: missense variant.
Genome position (GRCh38, 1-based): chr2:148,469,262, C>G. VCF-style: chr2-148469262-C-G. GRCh37 (hg19) VCF-style: chr2-149226831-C-G.
Other names: c.1319C>G, p.Thr440Arg (NM_018328.5); short protein forms T440R.
Identifiers: ClinVar variation 1509948 (VCV001509948.8), dbSNP rs1247282095, ClinGen allele CA348719440.

ClinVar aggregate classification (germline): Uncertain significance (1 of 4 stars; one submission).

Conditions:
Intellectual developmental disorder, autosomal dominant 1. Also called: Intellectual disability, autosomal dominant 1; MBD5 Haploinsufficiency. Identifiers: Orphanet 228402, MedGen C1969562, MONDO:0007974, OMIM 156200.

Submission:

Labcorp Genetics (formerly Invitae), Labcorp
Classification: Uncertain significance for Intellectual developmental disorder, autosomal dominant 1. Last evaluated: 2021-02-14. Review status: criteria provided, single submitter. Criteria: Invitae Variant Classification Sherloc (09022015). Collection method: clinical testing. Allele origin: germline.
Comment: This variant has not been reported in the literature in individuals with MBD5-related conditions. Algorithms developed to predict the effect of missense changes on protein structure and function (SIFT, PolyPhen-2, Align-GVGD) all suggest that this variant is likely to be disruptive, but these predictions have not been confirmed by published functional studies and their clinical significance is uncertain. In summary, the available evidence is currently insufficient to determine the role of this variant in disease. Therefore, it has been classified as a Variant of Uncertain Significance. This variant is not present in population databases (ExAC no frequency). This sequence change replaces threonine with arginine at codon 440 of the MBD5 protein (p.Thr440Arg). The threonine residue is highly conserved and there is a moderate physicochemical difference between threonine and arginine.